The following is an entry in ClinVar:

ClinVar aggregate classification (germline): Uncertain significance (1 of 4 stars; one submission).

Conditions:
Interstitial lung disease due to ABCA3 deficiency. Also called: PULMONARY ALVEOLAR PROTEINOSIS, CONGENITAL, 3. Identifiers: Orphanet 440402, MedGen C1970456, MONDO:0012582, OMIM 610921.

gnomAD v4.1: 5 of 1,614,120 alleles (0.00031%); highest among the groups gnomAD compares: East Asian, 0.011%; no homozygotes.

Submission:

Myriad Genetics, Inc.
Classification: Uncertain significance for Interstitial lung disease due to ABCA3 deficiency. Last evaluated: 2026-04-24. Review status: criteria provided, single submitter. Criteria: Myriad Autosomal Dominant, Autosomal Recessive and X-Linked Classification Criteria (2023). Collection method: clinical testing. Allele origin: unknown.
Comment: NM_001089.2(ABCA3):c.1809G>C(Q603H) is a missense variant classified as a variant of uncertain significance in the context of surfactant deficiency, ABCA3-related. Q603H has been observed in cases with relevant disease (PMID: 28642621). Relevant functional assessments of this variant are not available in the literature. Q603H has been observed in referenced population frequency databases. In summary, there is insufficient evidence to classify NM_001089.2(ABCA3):c.1809G>C(Q603H) as pathogenic or benign. Please note: this variant was assessed in the context of healthy population screening.

Literature cited by the submitters: PubMed 28642621.

NM_001089.3(ABCA3):c.1809G>C (p.Gln603His)

Gene: ABCA3 (ATP binding cassette subfamily A member 3; minus strand). Cytogenetic location: 16p13.3.
Variant type: single nucleotide variant.
Coding change: c.1809G>C on transcript NM_001089.3 (MANE Select); coding-DNA position 1809, G replaced by C.
Protein change: p.Gln603His; replaces glutamine 603 with histidine.
Molecular consequence: missense variant.
Genome position (GRCh38, 1-based): chr16:2,298,473, C>G on the plus strand (G>C on the coding strand, the complement: ABCA3 is on the minus strand). VCF-style: chr16-2298473-C-G. GRCh37 (hg19) VCF-style: chr16-2348474-C-G.
Other names: short protein forms Q603H.
Identifiers: ClinVar variation 5003921 (VCV005003921.1).
Genomic context (GRCh38, chr16:2,298,473, plus strand): 5'-GACTGTCAAGTTGTCAAACAGGATGTCGTGCTGCGGGCACAGGCCCAGGCTCTTCCGGAT[C>G]TGAACCATGTCCTGGGAAATTTCATACCCGCTGATGTATGCCCGTCCACTGGTGGGGGGA-3'
Protein context (NP_001080.2, residues 593-613): SGYEISQDMV[Gln603His]IRKSLGLCPQ